The following is an entry in ClinVar:

NM_002335.4(LRP5):c.3789G>A (p.Gln1263=)

Gene: LRP5 (LDL receptor related protein 5; plus strand). Cytogenetic location: 11q13.2.
Variant type: single nucleotide variant.
Coding change: c.3789G>A on transcript NM_002335.4 (MANE Select); coding-DNA position 3789, G replaced by A.
Protein change: p.Gln1263=; no amino-acid change (glutamine 1263 retained).
Molecular consequence: synonymous variant.
Genome position (GRCh38, 1-based): chr11:68,433,627, G>A. VCF-style: chr11-68433627-G-A. GRCh37 (hg19) VCF-style: chr11-68201095-G-A.
Other names: c.2046G>A, p.Gln682= (NM_001291902.2).
Identifiers: ClinVar variation 1962953 (VCV001962953.5), dbSNP rs1236328842, ClinGen allele CA475460625.

ClinVar aggregate classification (germline): Uncertain significance (1 of 4 stars; one submission).

gnomAD v4.1: 3 of 1,613,554 alleles (0.00019%); highest among the groups gnomAD compares: Admixed American, 0.0017%; no homozygotes.

Submission:

Labcorp Genetics (formerly Invitae), Labcorp
Classification: Uncertain significance. Last evaluated: 2023-04-18. Review status: criteria provided, single submitter. Criteria: Invitae Variant Classification Sherloc (09022015). Collection method: clinical testing. Allele origin: germline.
Comment: In summary, the available evidence is currently insufficient to determine the role of this variant in disease. Therefore, it has been classified as a Variant of Uncertain Significance. Algorithms developed to predict the effect of sequence changes on RNA splicing suggest that this variant may create or strengthen a splice site. ClinVar contains an entry for this variant (Variation ID: 1962953). This variant has not been reported in the literature in individuals affected with LRP5-related conditions. This variant is not present in population databases (gnomAD no frequency). This sequence change affects codon 1263 of the LRP5 mRNA. It is a 'silent' change, meaning that it does not change the encoded amino acid sequence of the LRP5 protein.